The following is an entry in ClinVar:

ClinVar aggregate classification (germline): Uncertain significance (1 of 4 stars; one submission).

Submission:

Women's Health and Genetics/Laboratory Corporation of America, LabCorp
Classification: Uncertain significance. Last evaluated: 2024-03-01. Review status: criteria provided, single submitter. Criteria: LabCorp Variant Classification Summary - May 2015. Collection method: clinical testing. Allele origin: germline.
Comment: Variant summary: WDR26 c.1747G>A (p.Glu583Lys) results in a conservative amino acid change located in the WD40 repeat (IPR001680) of the encoded protein sequence. Three of five in-silico tools predict a damaging effect of the variant on protein function. The variant was absent in 250458 control chromosomes. The available data on variant occurrences in the general population are insufficient to allow any conclusion about variant significance. To our knowledge, no occurrence of c.1747G>A in individuals affected with Skraban-Deardorff Syndrome and no experimental evidence demonstrating its impact on protein function have been reported. No submitters have cited clinical-significance assessments for this variant to ClinVar. Based on the evidence outlined above, the variant was classified as uncertain significance.

NM_001379403.1(WDR26):c.2047G>A (p.Glu683Lys)

Gene: WDR26 (WD repeat domain 26; minus strand). Cytogenetic location: 1q42.11.
Variant type: single nucleotide variant.
Coding change: c.2047G>A on transcript NM_001379403.1 (MANE Select); coding-DNA position 2047, G replaced by A.
Protein change: p.Glu683Lys; replaces glutamic acid 683 with lysine.
Molecular consequence: missense variant.
Genome position (GRCh38, 1-based): chr1:224,398,124, C>T on the plus strand (G>A on the coding strand, the complement: WDR26 is on the minus strand). VCF-style: chr1-224398124-C-T. GRCh37 (hg19) VCF-style: chr1-224585826-C-T.
Other names: c.1699G>A, p.Glu567Lys (NM_001115113.3); c.1747G>A, p.Glu583Lys (NM_025160.7); short protein forms E567K, E583K, E683K.
Identifiers: ClinVar variation 3233698 (VCV003233698.2), dbSNP rs2464678578, ClinGen allele CA344746582.